The following is an entry in ClinVar:

NM_000143.4(FH):c.994G>C (p.Ala332Pro)

Gene: FH (fumarate hydratase; minus strand). Cytogenetic location: 1q43.
Variant type: single nucleotide variant.
Coding change: c.994G>C on transcript NM_000143.4 (MANE Select); coding-DNA position 994, G replaced by C.
Protein change: p.Ala332Pro; replaces alanine 332 with proline.
Molecular consequence: missense variant.
Genome position (GRCh38, 1-based): chr1:241,504,156, C>G on the plus strand (G>C on the coding strand, the complement: FH is on the minus strand). VCF-style: chr1-241504156-C-G. GRCh37 (hg19) VCF-style: chr1-241667456-C-G.
Other names: short protein forms A332P.
Identifiers: ClinVar variation 1709223 (VCV001709223.2), dbSNP rs1157768121, ClinGen allele CA345438263.
Genomic context (GRCh38, chr1:241,504,156, plus strand): 5'-CTGACCGAGGACCAGAACCCAAAAATCGAATATCATTTGCTATCTTCATCAGACTGCAGG[C>G]AGTAGTGTTCATGGCTCCACTGAGCTCAACCAGAGCGTCATGAGCAGCCAGAGCTTCAAA-3'
Protein context (NP_000134.2, residues 322-342): VELSGAMNTT[Ala332Pro]CSLMKIANDI

ClinVar aggregate classification (germline): Likely pathogenic (1 of 4 stars; one submission).

Conditions:
Hereditary leiomyomatosis and renal cell cancer. Also called: LEIOMYOMA, MULTIPLE CUTANEOUS; MULTIPLE CUTANEOUS AND UTERINE LEIOMYOMATA 1, WITH OR WITHOUT RENAL CELL CARCINOMA; FH tumor predisposition syndrome; Reed syndrome; Multiple cutaneous and uterine leiomyomatosis; Cutaneous leiomyomata with uterine leiomyomata. Identifiers: Orphanet 523, MedGen C1708350, MONDO:0007888, OMIM 150800, HP:0007437. Disease mechanism: loss of function.

Submission:

MGZ Medical Genetics Center
Classification: Likely pathogenic for Hereditary leiomyomatosis and renal cell cancer. Last evaluated: 2022-04-07. Review status: criteria provided, single submitter. Criteria: ACMG Guidelines, 2015. Collection method: clinical testing. Allele origin: germline. Affected: yes. Observed: 4 variant alleles.
Comment: ACMG criteria applied: PM1, PM2_SUP, PP1, PP3, PP4